The following is an entry in ClinVar:

ClinVar aggregate classification (germline): Uncertain significance (1 of 4 stars; one submission).

Conditions:
Familial adenomatous polyposis 1 (FAP1). Also called: FAMILIAL ADENOMATOUS POLYPOSIS 1, ATTENUATED; POLYPOSIS, ADENOMATOUS INTESTINAL. Identifiers: MedGen C2713442, MONDO:0021056, OMIM 175100. Disease mechanism: loss of function.

Allele frequency attached by ClinVar (database versions not stated): gnomAD exomes below 0.00001.
gnomAD v4.1: 1 of 1,613,982 alleles (0.000062%); highest among the groups gnomAD compares: South Asian, 0.0011%; no homozygotes.

Submission:

Labcorp Genetics (formerly Invitae), Labcorp
Classification: Uncertain significance for Familial adenomatous polyposis 1. Last evaluated: 2021-01-13. Review status: criteria provided, single submitter. Criteria: Invitae Variant Classification Sherloc (09022015). Collection method: clinical testing. Allele origin: germline.
Comment: Algorithms developed to predict the effect of missense changes on protein structure and function (SIFT, PolyPhen-2, Align-GVGD) all suggest that this variant is likely to be tolerated, but these predictions have not been confirmed by published functional studies and their clinical significance is uncertain. This variant has not been reported in the literature in individuals with APC-related conditions. This variant is not present in population databases (ExAC no frequency). This sequence change replaces lysine with arginine at codon 2585 of the APC protein (p.Lys2585Arg). The lysine residue is highly conserved and there is a small physicochemical difference between lysine and arginine. In summary, the available evidence is currently insufficient to determine the role of this variant in disease. Therefore, it has been classified as a Variant of Uncertain Significance.

NM_000038.6(APC):c.7754A>G (p.Lys2585Arg)

Gene: APC (APC regulator of Wnt signaling pathway; plus strand). Cytogenetic location: 5q22.2.
Variant type: single nucleotide variant.
Coding change: c.7754A>G on transcript NM_000038.6 (MANE Select); coding-DNA position 7754, A replaced by G.
Protein change: p.Lys2585Arg; replaces lysine 2585 with arginine.
Molecular consequence: missense variant.
Genome position (GRCh38, 1-based): chr5:112,843,348, A>G. VCF-style: chr5-112843348-A-G. GRCh37 (hg19) VCF-style: chr5-112179045-A-G.
Other names: c.7754A>G, p.Lys2585Arg (NM_001127510.3, NM_001354895.2); c.7700A>G, p.Lys2567Arg (NM_001127511.3); c.7808A>G, p.Lys2603Arg (NM_001354896.2); c.7784A>G, p.Lys2595Arg (NM_001354897.2); c.7679A>G, p.Lys2560Arg (NM_001354898.2); c.7670A>G, p.Lys2557Arg (NM_001354899.2); c.7631A>G, p.Lys2544Arg (NM_001354900.2); c.7577A>G, p.Lys2526Arg (NM_001354901.2); and 5 more; short protein forms K2302R, K2494R, K2557R, K2585R, K2595R, K2603R, K2425R, K2459R.
Identifiers: ClinVar variation 1476541 (VCV001476541.8), dbSNP rs876658884, ClinGen allele CA16038172.